The following is an entry in ClinVar:

ClinVar aggregate classification (germline): Pathogenic (1 of 4 stars; one submission).

Conditions:
Ataxia-telangiectasia syndrome (AT). Also called: Cerebello-oculocutaneous telangiectasia; Immunodeficiency with ataxia telangiectasia; ATAXIA-TELANGIECTASIA, FRESNO VARIANT; Ataxia-telangiectasia, complementation group D; Ataxia telangiectasia (A-T); LOUIS-BAR SYNDROME. Identifiers: Orphanet 100, MedGen C0004135, MONDO:0008840, OMIM 208900.

Submission:

Labcorp Genetics (formerly Invitae), Labcorp
Classification: Pathogenic for Ataxia-telangiectasia syndrome. Last evaluated: 2023-02-14. Review status: criteria provided, single submitter. Criteria: Invitae Variant Classification Sherloc (09022015). Collection method: clinical testing. Allele origin: germline.
Comment: For these reasons, this variant has been classified as Pathogenic. This variant is a gross deletion of the genomic region encompassing exon(s) 41-59 of the ATM gene. This deletion is out-of-frame, and is expected to create a premature termination codon and result in an absent or disrupted protein product. Loss-of-function variants in ATM are known to be pathogenic (PMID: 23807571, 25614872). This variant has not been reported in the literature in individuals affected with ATM-related conditions.

Literature cited by the submitters: PubMed 23807571; PubMed 25614872.

NC_000011.9:g.(?_108186540)_(108218102_?)del

Gene: ATM (ATM serine/threonine kinase; plus strand). Cytogenetic location: 11q22.3.
Variant type: Deletion.
Identifiers: ClinVar variation 1075724 (VCV001075724.6).